The following is an entry in ClinVar:

ClinVar aggregate classification (germline): Pathogenic (1 of 4 stars; one submission).

Conditions:
Renal tubular acidosis with progressive nerve deafness. Also called: RENAL TUBULAR ACIDOSIS, AUTOSOMAL RECESSIVE, WITH PROGRESSIVE NERVE DEAFNESS; RTA WITH PROGRESSIVE NERVE DEAFNESS; Distal Renal Tubular Acidosis with Progressive Sensorineural Deafness; renal tubular acidosis, distal, 2, with progressive sensorineural hearing loss. Identifiers: MedGen C0403554, MONDO:0009968, OMIM 267300.

Submission:

MVZ Medizinische Genetik Mainz
Classification: Pathogenic for Renal tubular acidosis with progressive nerve deafness. Last evaluated: 2024-02-08. Review status: criteria provided, single submitter. Criteria: UK Practice Guidelines For Variant Classification V4 01 2020. Collection method: clinical testing. Allele origin: germline. Inheritance: Autosomal recessive inheritance. Affected: yes. Observed: 1 variant allele.
Comment: ACMG Criteria: PVS1,PM2_SUP,PM3_SUP,PP4

NM_001692.4(ATP6V1B1):c.893dup (p.Glu299fs)

Gene: ATP6V1B1 (ATPase H+ transporting V1 subunit B1; plus strand). Cytogenetic location: 2p13.3.
Variant type: Duplication.
Coding change: c.893dup on transcript NM_001692.4 (MANE Select); coding-DNA position 893, one base duplicated (C; older notation c.893dupC).
Protein change: p.Glu299fs; shifts the reading frame from glutamic acid 299.
Molecular consequence: frameshift variant.
Genome position (GRCh38, 1-based): chr2:70,962,884, C duplicated. VCF-style (leftmost placement, unchanged base first): chr2-70962883-G-GC. GRCh37 (hg19) VCF-style: chr2-71190013-G-GC.
Other names: short protein forms E299fs.
Identifiers: ClinVar variation 3066230 (VCV003066230.1), dbSNP rs2466300193, ClinGen allele CA2740097946.